The following is an entry in ClinVar:

ClinVar aggregate classification (germline): Uncertain significance. Review status: criteria provided, multiple submitters, no conflicts (2 of 4 stars). 3 submissions from 3 submitters: Uncertain significance (3). Last evaluated 2025-07-03.

Conditions:
Cardiovascular phenotype. Identifiers: MedGen CN230736.
Desmin-related myofibrillar myopathy (MFM1). Also called: Myofibrillar myopathy 1; Desminopathy; Desmin related myopathy (former name); Desmin storage myopathy (former name); MYOFIBRILLAR MYOPATHY WITH ARRHYTHMOGENIC RIGHT VENTRICULAR CARDIOMYOPATHY; DESMIN-RELATED MYOPATHY WITH ARRHYTHMOGENIC RIGHT VENTRICULAR CARDIOMYOPATHY. Identifiers: Orphanet 363543, Orphanet 98909, MedGen C1832370, MONDO:0011076, OMIM 601419.

Allele frequency attached by ClinVar (database versions not stated): gnomAD 0.00001; TOPMed 0.00002.
gnomAD v4.1: 6 of 1,614,092 alleles (0.00037%); highest among the groups gnomAD compares: Admixed American, 0.0017%; no homozygotes.

Submissions (3):

GeneDx
Classification: Uncertain significance. Last evaluated: 2025-07-03. Review status: criteria provided, single submitter. Criteria: GeneDx Variant Classification Process June 2021. Collection method: clinical testing. Allele origin: germline. Affected: yes.
Comment: Not observed at significant frequency in large population cohorts (gnomAD); In silico analysis suggests that this missense variant does not alter protein structure/function; Has not been previously published as pathogenic or benign to our knowledge; This variant is associated with the following publications: (PMID: 26807690)

Ambry Genetics
Classification: Uncertain significance for Cardiovascular phenotype. Last evaluated: 2025-04-13. Review status: criteria provided, single submitter. Criteria: Ambry Variant Classification Scheme 2023. Collection method: clinical testing. Allele origin: germline.
Comment: The p.A217V variant (also known as c.650C>T), located in coding exon 3 of the DES gene, results from a C to T substitution at nucleotide position 650. The alanine at codon 217 is replaced by valine, an amino acid with similar properties. This amino acid position is conserved. In addition, the in silico prediction for this alteration is inconclusive. Based on the available evidence, the clinical significance of this variant remains unclear.

Labcorp Genetics (formerly Invitae), Labcorp
Classification: Uncertain significance for Desmin-related myofibrillar myopathy. Last evaluated: 2023-11-15. Review status: criteria provided, single submitter. Criteria: Invitae Variant Classification Sherloc (09022015). Collection method: clinical testing. Allele origin: germline.
Comment: This sequence change replaces alanine, which is neutral and non-polar, with valine, which is neutral and non-polar, at codon 217 of the DES protein (p.Ala217Val). This variant is present in population databases (no rsID available, gnomAD no frequency). This variant has not been reported in the literature in individuals affected with DES-related conditions. Advanced modeling of protein sequence and biophysical properties (such as structural, functional, and spatial information, amino acid conservation, physicochemical variation, residue mobility, and thermodynamic stability) has been performed at Invitae for this missense variant, however the output from this modeling did not meet the statistical confidence thresholds required to predict the impact of this variant on DES protein function. In summary, the available evidence is currently insufficient to determine the role of this variant in disease. Therefore, it has been classified as a Variant of Uncertain Significance.

NM_001927.4(DES):c.650C>T (p.Ala217Val)

Gene: DES (desmin; plus strand). Cytogenetic location: 2q35.
Variant type: single nucleotide variant.
Coding change: c.650C>T on transcript NM_001927.4 (MANE Select); coding-DNA position 650, C replaced by T.
Protein change: p.Ala217Val; replaces alanine 217 with valine.
Molecular consequence: missense variant. On other transcripts: intron variant (1).
Genome position (GRCh38, 1-based): chr2:219,420,261, C>T. VCF-style: chr2-219420261-C-T. GRCh37 (hg19) VCF-style: chr2-220284983-C-T.
Other names: c.647C>T, p.Ala216Val (NM_001382708.1); c.650C>T, p.Ala217Val (NM_001382709.1, NM_001382710.1, NM_001382711.1 and 1 more transcripts); c.496-264C>T (NM_001382713.1); short protein forms A216V, A217V.
Identifiers: ClinVar variation 2927154 (VCV002927154.4), dbSNP rs771882136, ClinGen allele CA350690203.